The following is an entry in ClinVar:

NR_002196.3(H19):n.578G>T

Genes: H19 (H19 imprinted maternally expressed transcript; minus strand), MRPL23 (mitochondrial ribosomal protein L23; plus strand). Cytogenetic location: 11p15.5.
Variant type: single nucleotide variant.
Molecular consequence: non-coding transcript variant (on NR_002196.3). On other transcripts: intron variant (1).
Genome position: GRCh38 VCF-style: chr11-1997265-C-A. GRCh37 (hg19) VCF-style: chr11-2018495-C-A.
Other names: c.498-14276C>A (NM_001400176.1).
Identifiers: ClinVar variation 4985712 (VCV004985712.1).

ClinVar aggregate classification (germline): Likely benign (1 of 4 stars; one submission).

Conditions:
H19-related disorder. Also called: H19-related condition.

Submission:

PreventionGenetics, part of Exact Sciences
Classification: Likely benign for H19-related condition. Last evaluated: 2025-04-27. Review status: criteria provided, single submitter. Criteria: ACMG Guidelines, 2015. Collection method: clinical testing. Allele origin: germline.
Comment: This variant is classified as likely benign based on ACMG/AMP sequence variant interpretation guidelines (Richards et al. 2015 PMID: 25741868, with internal and published modifications).